The following is an entry in ClinVar:

NM_001375524.1(TRRAP):c.1533CCCACC[3] (p.Pro515_Ala516insProPro)

Gene: TRRAP (transformation/transcription domain associated protein; plus strand). Cytogenetic location: 7q22.1.
Variant type: Microsatellite.
Coding change: c.1533CCCACC[3] on transcript NM_001375524.1 (MANE Select); three copies in a row of the 6-base unit CCCACC starting at c.1533; the reference has two copies in a row; one copy, 6 bases duplicated.
Protein change: p.Pro515_Ala516insProPro.
Molecular consequence: inframe insertion.
Genome position (GRCh38, 1-based): chr7:98,910,244-98,910,249, CCCACC duplicated; duplicating any 6 consecutive bases within chr7:98,910,236-98,910,249 gives the same sequence; the position shown is the placement nearest the transcript's 3' end. VCF-style (leftmost placement, unchanged base first): chr7-98910235-G-GCCCCCA. GRCh37 (hg19) VCF-style: chr7-98507858-G-GCCCCCA.
Other names: c.1533CCCACC[3], p.Pro515_Ala516insProPro (NM_001244580.2, NM_003496.4).
Identifiers: ClinVar variation 2878962 (VCV002878962.3), dbSNP rs782040966, ClinGen allele CA1104922063.

ClinVar aggregate classification (germline): Uncertain significance (1 of 4 stars; one submission).

Submission:

Labcorp Genetics (formerly Invitae), Labcorp
Classification: Uncertain significance. Last evaluated: 2025-03-18. Review status: criteria provided, single submitter. Criteria: Invitae Variant Classification Sherloc (09022015). Collection method: clinical testing. Allele origin: germline.
Comment: This variant, c.1539_1544dup, results in the insertion of 2 amino acid(s) of the TRRAP protein (p.Pro514_Pro515dup), but otherwise preserves the integrity of the reading frame. This variant is not present in population databases (gnomAD no frequency). This variant has not been reported in the literature in individuals affected with TRRAP-related conditions. In summary, the available evidence is currently insufficient to determine the role of this variant in disease. Therefore, it has been classified as a Variant of Uncertain Significance.